The following is an entry in ClinVar:

ClinVar aggregate classification (germline): Likely benign (1 of 4 stars; one submission).

Allele frequency attached by ClinVar (database versions not stated): ESP Exome Variant Server 0.00075; 1000 Genomes Project 30x 0.00078; 1000 Genomes Project 0.00100; gnomAD 0.00102; ExAC 0.00183.
gnomAD v4.1: 2,649 of 1,599,254 alleles (0.17%); highest among the groups gnomAD compares: Middle Eastern, 0.59%; 11 homozygotes.

Submission:

CeGaT Center for Human Genetics Tuebingen
Classification: Likely benign. Last evaluated: 2026-04-01. Review status: criteria provided, single submitter. Criteria: CeGaT Center For Human Genetics Tuebingen Variant Classification Criteria Version 2. Collection method: clinical testing. Allele origin: germline. Affected: yes. Observed: 2 variant alleles.
Comment: HYDIN: BP4, BP7

NM_001270974.2(HYDIN):c.11463A>C (p.Arg3821=)

Gene: HYDIN (HYDIN axonemal central pair apparatus protein; minus strand). Cytogenetic location: 16q22.2.
Variant type: single nucleotide variant.
Coding change: c.11463A>C on transcript NM_001270974.2 (MANE Select); coding-DNA position 11463, A replaced by C.
Protein change: p.Arg3821=; no amino-acid change (arginine 3821 retained).
Molecular consequence: synonymous variant.
Genome position (GRCh38, 1-based): chr16:70,866,177, T>G on the plus strand (A>C on the coding strand, the complement: HYDIN is on the minus strand). VCF-style: chr16-70866177-T-G. GRCh37 (hg19) VCF-style: chr16-70900080-T-G.
Identifiers: ClinVar variation 2646708 (VCV002646708.24), dbSNP rs374073980, ClinGen allele CA8149015.
Genomic context (GRCh38, chr16:70,866,177, plus strand): 5'-ATGGAATGAAAGAGCTTTTCCATCTAGTATCACGAGACTTTTGATGACTCACTCAAACAC[T>G]CGGGTCTGGTAAACCAAGGTTTCCTTAAAGCGCACATCTCTTGCTTGGCAATGGTATGAA-3'
Protein context (NP_001257903.1, residues 3811-3831): RFKETLVYQT[Arg3821=]VFEFDVINSG